The following is an entry in ClinVar:

ClinVar aggregate classification (germline): Uncertain significance. Review status: criteria provided, multiple submitters, no conflicts (2 of 4 stars). 2 submissions from 2 submitters: Uncertain significance (2). Last evaluated 2025-06-24.

Conditions:
Inborn genetic diseases. Identifiers: MedGen C0950123, MeSH D030342.
Cataract 18 (CATC2). Also called: CATARACT 18, AUTOSOMAL RECESSIVE. Identifiers: Orphanet 91492, Orphanet 98991, Orphanet 98992, Orphanet 98995, MedGen C1864908, MONDO:0012395, OMIM 610019.

gnomAD v4.1: 14 of 1,614,102 alleles (0.00087%); highest among the groups gnomAD compares: African/African-American, 0.017%; no homozygotes.

Submissions (2):

Ambry Genetics
Classification: Uncertain significance for Inborn genetic diseases. Last evaluated: 2025-06-24. Review status: criteria provided, single submitter. Criteria: Ambry Variant Classification Scheme 2023. Collection method: clinical testing. Allele origin: germline.

Labcorp Genetics (formerly Invitae), Labcorp
Classification: Uncertain significance for Cataract 18. Last evaluated: 2022-05-19. Review status: criteria provided, single submitter. Criteria: Invitae Variant Classification Sherloc (09022015). Collection method: clinical testing. Allele origin: germline.
Comment: Algorithms developed to predict the effect of missense changes on protein structure and function are either unavailable or do not agree on the potential impact of this missense change (SIFT: "Deleterious"; PolyPhen-2: "Probably Damaging"; Align-GVGD: "Class C0"). This variant has not been reported in the literature in individuals affected with FYCO1-related conditions. This variant is present in population databases (no rsID available, gnomAD 0.01%). This sequence change replaces arginine, which is basic and polar, with proline, which is neutral and non-polar, at codon 15 of the FYCO1 protein (p.Arg15Pro). In summary, the available evidence is currently insufficient to determine the role of this variant in disease. Therefore, it has been classified as a Variant of Uncertain Significance.

NM_024513.4(FYCO1):c.44G>C (p.Arg15Pro)

Gene: FYCO1 (FYVE and coiled-coil domain autophagy adaptor 1; minus strand). Cytogenetic location: 3p21.31.
Variant type: single nucleotide variant.
Coding change: c.44G>C on transcript NM_024513.4 (MANE Select); coding-DNA position 44, G replaced by C.
Protein change: p.Arg15Pro; replaces arginine 15 with proline.
Molecular consequence: missense variant. On other transcripts: 5 prime UTR variant (1), non-coding transcript variant (1).
Genome position (GRCh38, 1-based): chr3:45,984,867, C>G on the plus strand (G>C on the coding strand, the complement: FYCO1 is on the minus strand). VCF-style: chr3-45984867-C-G. GRCh37 (hg19) VCF-style: chr3-46026359-C-G.
Other names: c.44G>C, p.Arg15Pro (NM_001386421.1, NM_001386422.1, NM_001386423.1 and 5 more transcripts); c.31G>C, p.Glu11Gln (NM_001386426.1); c.-73G>C (NM_001386430.1); c.44G>C (NM_024513.2); short protein forms E11Q, R15P.
Identifiers: ClinVar variation 1985920 (VCV001985920.5), dbSNP rs148420941, ClinGen allele CA73654884.